The following is an entry in ClinVar:

ClinVar aggregate classification (germline): Likely benign (0 of 4 stars; one submission).

Conditions:
TRMU-related disorder. Also called: TRMU-related condition.

Allele frequency attached by ClinVar (database versions not stated): gnomAD 0.00001; TOPMed 0.00001.
gnomAD v4.1: 2 of 1,612,242 alleles (0.00012%); highest among the groups gnomAD compares: African/African-American, 0.0027%; no homozygotes.

Submission:

PreventionGenetics, part of Exact Sciences
Classification: Likely benign for TRMU-related condition. Last evaluated: 2022-02-03. Review status: no assertion criteria provided. Collection method: clinical testing. Allele origin: germline.
Comment: This variant is classified as likely benign based on ACMG/AMP sequence variant interpretation guidelines (Richards et al. 2015 PMID: 25741868, with internal and published modifications).

NM_018006.5(TRMU):c.874-4G>T

Gene: TRMU (tRNA mitochondrial 2-thiouridylase; plus strand). Cytogenetic location: 22q13.31.
Variant type: single nucleotide variant.
Coding change: c.874-4G>T on transcript NM_018006.5 (MANE Select); 4 bases into the intron before coding-DNA position 874, G replaced by T.
Molecular consequence: intron variant.
Genome position (GRCh38, 1-based): chr22:46,355,440, G>T. VCF-style: chr22-46355440-G-T. GRCh37 (hg19) VCF-style: chr22-46751337-G-T.
Other names: c.874-4G>T (NM_001282785.2); c.532-4G>T (NM_001282782.2); c.454-4G>T (NM_001282783.2, NM_001282784.2).
Identifiers: ClinVar variation 3029512 (VCV003029512.2), dbSNP rs1230927075, ClinGen allele CA753658802.